The following is an entry in ClinVar:

ClinVar aggregate classification (germline): Pathogenic (1 of 4 stars; one submission).

Conditions:
KBG syndrome (KBGS). Also called: ANKRD11-Related KBG Syndrome. Identifiers: Orphanet 2332, MedGen C0220687, MONDO:0007846, OMIM 148050.

Submission:

Labcorp Genetics (formerly Invitae), Labcorp
Classification: Pathogenic for KBG syndrome. Last evaluated: 2025-02-27. Review status: criteria provided, single submitter. Criteria: Invitae Variant Classification Sherloc (09022015). Collection method: clinical testing. Allele origin: germline.
Comment: This sequence change creates a premature translational stop signal (p.Gln2405*) in the ANKRD11 gene. It is expected to result in an absent or disrupted protein product. Loss-of-function variants in ANKRD11 are known to be pathogenic (PMID: 21782149, 25125236, 25413698, 25652421). This variant is not present in population databases (gnomAD no frequency). This premature translational stop signal has been observed in individual(s) with clinical features of ANKRD11-related conditions (PMID: 33057194, 35982159). For these reasons, this variant has been classified as Pathogenic.

Literature cited by the submitters: PubMed 21782149; PubMed 25125236; PubMed 25413698; PubMed 25652421; PubMed 33057194; PubMed 35982159.

NM_013275.6(ANKRD11):c.7213C>T (p.Gln2405Ter)

Gene: ANKRD11 (ankyrin repeat domain 11; minus strand). Cytogenetic location: 16q24.3.
Variant type: single nucleotide variant.
Coding change: c.7213C>T on transcript NM_013275.6 (MANE Select); coding-DNA position 7213, C replaced by T.
Protein change: p.Gln2405Ter; replaces glutamine 2405 with a stop codon.
Molecular consequence: nonsense.
Genome position (GRCh38, 1-based): chr16:89,279,329, G>A on the plus strand (C>T on the coding strand, the complement: ANKRD11 is on the minus strand). VCF-style: chr16-89279329-G-A. GRCh37 (hg19) VCF-style: chr16-89345737-G-A.
Other names: c.7213C>T, p.Gln2405Ter (NM_001256182.2, NM_001256183.2); short protein forms Q2405*.
Identifiers: ClinVar variation 4749674 (VCV004749674.1).